The following is an entry in ClinVar:

ClinVar aggregate classification (germline): Likely benign (1 of 4 stars; one submission).

Conditions:
Intellectual developmental disorder, autosomal dominant 1. Also called: MBD5 Haploinsufficiency; Intellectual disability, autosomal dominant 1. Identifiers: Orphanet 228402, MedGen C1969562, MONDO:0007974, OMIM 156200.

Submission:

Centre for Medical Genetics,  Mumbai
Classification: Likely benign for Intellectual developmental disorder, autosomal dominant 1. Last evaluated: 2026-06-08. Review status: criteria provided, single submitter. Criteria: ACMG Guidelines, 2015. Collection method: provider interpretation. Allele origin: germline. Inheritance: Autosomal dominant inheritance. Affected: no. Observed: 1 variant allele, 1 heterozygote.
Comment: The variant satisfies PM2 criteria - extremely low frequency in gnomAD population databases. The variant satisfies BP4 criteria - for a missense or a splice region variant, computational prediction tools unanimously support a benign effect on the gene. However, the variant satisfies BS2 criteria - present in heterozygous state in an individual that clinically does not have Intellectual developmental disorder.

Literature cited by the submitters: PubMed 17847001.

NM_001378120.1(MBD5):c.484C>G (p.Pro162Ala)

Gene: MBD5 (methyl-CpG binding domain protein 5; plus strand). Cytogenetic location: 2q23.1.
Variant type: single nucleotide variant.
Coding change: c.484C>G on transcript NM_001378120.1 (MANE Select); coding-DNA position 484, C replaced by G.
Protein change: p.Pro162Ala; replaces proline 162 with alanine.
Molecular consequence: missense variant.
Genome position (GRCh38, 1-based): chr2:148,468,427, C>G. VCF-style: chr2-148468427-C-G. GRCh37 (hg19) VCF-style: chr2-149225996-C-G.
Other names: c.484C>G, p.Pro162Ala (NM_001438854.1, NM_001438855.1, NM_001438856.1 and 7 more transcripts); short protein forms P162A.
Identifiers: ClinVar variation 4884509 (VCV004884509.1).